The following is an entry in ClinVar:

NM_001080779.2(MYO1C):c.387G>A (p.Thr129=)

Gene: MYO1C (myosin IC; minus strand). Cytogenetic location: 17p13.3.
Variant type: single nucleotide variant.
Coding change: c.387G>A on transcript NM_001080779.2 (MANE Select); coding-DNA position 387, G replaced by A.
Protein change: p.Thr129=; no amino-acid change (threonine 129 retained).
Molecular consequence: synonymous variant.
Genome position (GRCh38, 1-based): chr17:1,483,020, C>T on the plus strand (G>A on the coding strand, the complement: MYO1C is on the minus strand). VCF-style: chr17-1483020-C-T. GRCh37 (hg19) VCF-style: chr17-1386314-C-T.
Other names: c.330G>A, p.Thr110= (NM_001080950.2); c.315G>A, p.Thr105= (NM_001363855.1); c.282G>A, p.Thr94= (NM_033375.5).
Identifiers: ClinVar variation 508577 (VCV000508577.1), dbSNP rs112029113, ClinGen allele CA8268044.

ClinVar aggregate classification (germline): Likely benign (1 of 4 stars; one submission).

Allele frequency attached by ClinVar (database versions not stated): 1000 Genomes Project 0.00319; 1000 Genomes Project 30x 0.00422; TOPMed 0.01018; gnomAD exomes 0.01043 and 0.01464; gnomAD 0.01067 and 0.01112; ExAC 0.01142; ESP Exome Variant Server 0.01200.
gnomAD v4.1: 22,794 of 1,611,654 alleles (1.4%); highest among the groups gnomAD compares: Non-Finnish European, 1.7%; 203 homozygotes.

Submission:

GeneDx
Classification: Likely benign. Last evaluated: 2018-03-09. Review status: criteria provided, single submitter. Criteria: GeneDx Variant Classification (06012015). Collection method: clinical testing. Allele origin: germline. Affected: yes.
Comment: This variant is considered likely benign or benign based on one or more of the following criteria: it is a conservative change, it occurs at a poorly conserved position in the protein, it is predicted to be benign by multiple in silico algorithms, and/or has population frequency not consistent with disease.